The following is an entry in ClinVar:

NM_001365276.2(TNXB):c.3277G>A (p.Val1093Met)

Gene: TNXB (tenascin XB; minus strand). Cytogenetic location: 6p21.33.
Variant type: single nucleotide variant.
Coding change: c.3277G>A on transcript NM_001365276.2 (MANE Select); coding-DNA position 3277, G replaced by A.
Protein change: p.Val1093Met; replaces valine 1093 with methionine.
Molecular consequence: missense variant.
Genome position (GRCh38, 1-based): chr6:32,084,581, C>T on the plus strand (G>A on the coding strand, the complement: TNXB is on the minus strand). VCF-style: chr6-32084581-C-T. GRCh37 (hg19) VCF-style: chr6-32052358-C-T.
Other names: p.Val1093Met; c.3277G>A, p.Val1093Met (NM_019105.8); short protein forms V1093M.
Identifiers: ClinVar variation 425374 (VCV000425374.51), dbSNP rs200432719, ClinGen allele CA3735210.

ClinVar aggregate classification (germline): Conflicting classifications of pathogenicity. Review status: criteria provided, conflicting classifications (1 of 4 stars). 5 submissions from 5 submitters: Uncertain significance (3); Likely benign (2). Last evaluated 2026-05-18.

Conditions:
Cardiovascular phenotype. Identifiers: MedGen CN230736.

Allele frequency attached by ClinVar (database versions not stated): gnomAD exomes 0.00035 and 0.00028; ESP Exome Variant Server 0.00075; 1000 Genomes Project 30x 0.00016; 1000 Genomes Project 0.00020; TOPMed 0.00022; ExAC 0.00028; gnomAD 0.00028 and 0.00029.

Submissions (5):

Women's Health and Genetics/Laboratory Corporation of America, LabCorp
Classification: Uncertain significance. Last evaluated: 2026-05-18. Review status: criteria provided, single submitter. Criteria: LabCorp Variant Classification Summary - May 2015. Collection method: clinical testing. Allele origin: germline.
Comment: Variant summary: TNXB c.3277G>A (p.Val1093Met) results in a conservative amino acid change in the encoded protein sequence. Algorithms developed to predict the effect of missense changes on protein structure and function all suggest that this variant is likely to be tolerated. The variant allele was found at a frequency of 0.00028 in 243866 control chromosomes. This frequency is not significantly higher than estimated for disease-causing variants in TNXB, allowing no conclusion about variant significance. To our knowledge, no occurrence of c.3277G>A in individuals affected with TNXB-related conditions and no experimental evidence demonstrating its impact on protein function have been reported. ClinVar contains an entry for this variant (Variation ID: 425374). Based on the evidence outlined above, the variant was classified as uncertain significance.

Mayo Clinic Laboratories, Mayo Clinic
Classification: Uncertain significance. Last evaluated: 2025-10-10. Review status: criteria provided, single submitter. Criteria: ACMG Guidelines, 2015. Collection method: clinical testing. Allele origin: germline. Observed: 2 variant alleles.
Comment: BP4_moderate

Ambry Genetics
Classification: Likely benign for Cardiovascular phenotype. Last evaluated: 2025-03-20. Review status: criteria provided, single submitter. Criteria: Ambry Variant Classification Scheme 2023. Collection method: clinical testing. Allele origin: germline.

GeneDx
Classification: Likely benign. Last evaluated: 2024-05-16. Review status: criteria provided, single submitter. Criteria: GeneDx Variant Classification Process June 2021. Collection method: clinical testing. Allele origin: germline. Affected: yes.
Comment: See Variant Classification Assertion Criteria.

CeGaT Center for Human Genetics Tuebingen
Classification: Uncertain significance. Last evaluated: 2019-01-01. Review status: criteria provided, single submitter. Criteria: CeGaT Center For Human Genetics Tuebingen Variant Classification Criteria Version 2. Collection method: clinical testing. Allele origin: germline. Affected: yes. Observed: 2 variant alleles.